The following is an entry in ClinVar:

ClinVar aggregate classification (germline): Uncertain significance (1 of 4 stars; one submission).

Conditions:
Hereditary cancer-predisposing syndrome. Also called: Tumor predisposition; Hereditary Cancer Syndrome; Hereditary neoplastic syndrome; Neoplastic Syndromes, Hereditary. Identifiers: Orphanet 140162, MedGen C0027672, MeSH D009386, MONDO:0015356.

Submission:

Ambry Genetics
Classification: Uncertain significance for Hereditary cancer-predisposing syndrome. Last evaluated: 2024-05-10. Review status: criteria provided, single submitter. Criteria: Ambry Variant Classification Scheme 2023. Collection method: clinical testing. Allele origin: germline.
Comment: The p.H1256Q variant (also known as c.3768C>A), located in coding exon 18 of the MET gene, results from a C to A substitution at nucleotide position 3768. The histidine at codon 1256 is replaced by glutamine, an amino acid with highly similar properties. This amino acid position is conserved. In addition, this alteration is predicted to be deleterious by in silico analysis. Based on the available evidence, the clinical significance of this variant remains unclear.

NM_000245.4(MET):c.3714C>A (p.His1238Gln)

Gene: MET (MET proto-oncogene, receptor tyrosine kinase; plus strand). Cytogenetic location: 7q31.2.
Variant type: single nucleotide variant.
Coding change: c.3714C>A on transcript NM_000245.4 (MANE Select); coding-DNA position 3714, C replaced by A.
Protein change: p.His1238Gln; replaces histidine 1238 with glutamine.
Molecular consequence: missense variant.
Genome position (GRCh38, 1-based): chr7:116,783,385, C>A. VCF-style: chr7-116783385-C-A. GRCh37 (hg19) VCF-style: chr7-116423439-C-A.
Other names: c.3768C>A, p.His1256Gln (NM_001127500.3); c.2424C>A, p.His808Gln (NM_001324402.2); short protein forms H1238Q, H1256Q, H808Q.
Identifiers: ClinVar variation 3294358 (VCV003294358.1).